The following is an entry in ClinVar:

NM_201596.3(CACNB2):c.1650C>T (p.Ser550=)

Gene: CACNB2 (calcium voltage-gated channel auxiliary subunit beta 2; plus strand). Cytogenetic location: 10p12.31.
Variant type: single nucleotide variant.
Coding change: c.1650C>T on transcript NM_201596.3 (MANE Select); coding-DNA position 1650, C replaced by T.
Protein change: p.Ser550=; no amino-acid change (serine 550 retained).
Molecular consequence: synonymous variant.
Genome position (GRCh38, 1-based): chr10:18,539,391, C>T. VCF-style: chr10-18539391-C-T. GRCh37 (hg19) VCF-style: chr10-18828320-C-T.
Other names: c.1485C>T, p.Ser495= (NM_000724.4); c.1452C>T, p.Ser484= (NM_001167945.2); c.1371C>T, p.Ser457= (NM_001330060.2); c.1506C>T, p.Ser502= (NM_201570.3); c.1566C>T, p.Ser522= (NM_201571.4); c.1494C>T, p.Ser498= (NM_201572.4); c.1488C>T, p.Ser496= (NM_201590.3); c.1536C>T, p.Ser512= (NM_201593.3); and 1 more.
Identifiers: ClinVar variation 509496 (VCV000509496.12), dbSNP rs149330185, ClinGen allele CA5430119.

ClinVar aggregate classification (germline): Benign/Likely benign. Review status: criteria provided, multiple submitters, no conflicts (2 of 4 stars). 4 submissions from 4 submitters: Benign (1); Likely benign (3). Last evaluated 2025-10-29.

Conditions:
Cardiovascular phenotype. Identifiers: MedGen CN230736.
Brugada syndrome 4 (BRGDA4). Identifiers: Orphanet 130, MedGen C2678477, MONDO:0012743, OMIM 611876.

Allele frequency attached by ClinVar (database versions not stated): gnomAD exomes 0.00002 and 0.00003; ExAC 0.00005; ESP Exome Variant Server 0.00015; gnomAD 0.00029 and 0.00032; TOPMed 0.00034.
gnomAD v4.1: 75 of 1,613,986 alleles (0.0046%); highest among the groups gnomAD compares: African/African-American, 0.073%; no homozygotes.

Submissions (4):

Labcorp Genetics (formerly Invitae), Labcorp
Classification: Benign for Brugada syndrome 4. Last evaluated: 2025-10-29. Review status: criteria provided, single submitter. Criteria: Invitae Variant Classification Sherloc (09022015). Collection method: clinical testing. Allele origin: germline.

Blueprint Genetics
Classification: Likely benign. Last evaluated: 2024-01-24. Review status: criteria provided, single submitter. Criteria: ACMG Guidelines, 2015. Collection method: clinical testing. Allele origin: germline.

Ambry Genetics
Classification: Likely benign for Cardiovascular phenotype. Last evaluated: 2020-06-09. Review status: criteria provided, single submitter. Criteria: Ambry Variant Classification Scheme 2023. Collection method: clinical testing. Allele origin: germline.

GeneDx
Classification: Likely benign. Last evaluated: 2017-05-10. Review status: criteria provided, single submitter. Criteria: GeneDx Variant Classification (06012015). Collection method: clinical testing. Allele origin: germline. Affected: yes.
Comment: This variant is considered likely benign or benign based on one or more of the following criteria: it is a conservative change, it occurs at a poorly conserved position in the protein, it is predicted to be benign by multiple in silico algorithms, and/or has population frequency not consistent with disease.